The following is an entry in ClinVar:

NM_000090.4(COL3A1):c.1967C>G (p.Pro656Arg)

Gene: COL3A1 (collagen type III alpha 1 chain; plus strand). Cytogenetic location: 2q32.2.
Variant type: single nucleotide variant.
Coding change: c.1967C>G on transcript NM_000090.4 (MANE Select); coding-DNA position 1967, C replaced by G.
Protein change: p.Pro656Arg; replaces proline 656 with arginine.
Molecular consequence: missense variant.
Genome position (GRCh38, 1-based): chr2:188,998,309, C>G. VCF-style: chr2-188998309-C-G. GRCh37 (hg19) VCF-style: chr2-189863035-C-G.
Other names: short protein forms P656R.
Identifiers: ClinVar variation 2917697 (VCV002917697.5), dbSNP rs2153502905, ClinGen allele CA349854135.
Genomic context (GRCh38, chr2:188,998,309, plus strand): 5'-AATATGATTCTTTCTAGGGCTTGCCTGGTACAGGTGGTCCTCCAGGAGAAAATGGAAAAC[C>G]TGGGGAACCAGTAAGTTACGTTTCATTATTCAAAACTCAGAAACAAAAAGAATACACACT-3'
Protein context (NP_000081.2, residues 646-666): TGGPPGENGK[Pro656Arg]GEPGPKGDAG

ClinVar aggregate classification (germline): Uncertain significance. Review status: criteria provided, multiple submitters, no conflicts (2 of 4 stars). 3 submissions from 3 submitters: Uncertain significance (3). Last evaluated 2025-03-19.

Conditions:
Ehlers-Danlos syndrome, type 4 (EDSVASC). Also called: Ehlers-Danlos syndrome vascular type; Ehlers Danlos syndrome, ecchymotic type; Ehlers Danlos syndrome, arterial type; Ehlers Danlos syndrome, Sack-Barabas type; Ehlers-Danlos Syndrome Type IV. Identifiers: Orphanet 286, MedGen C0268338, MONDO:0017314, OMIM 130050.

Allele frequency attached by ClinVar (database versions not stated): gnomAD exomes below 0.00001.
gnomAD v4.1: 1 of 1,613,680 alleles (0.000062%); highest among the groups gnomAD compares: Non-Finnish European, 0.000085%; no homozygotes.

Submissions (3):

GeneDx
Classification: Uncertain significance. Last evaluated: 2025-03-19. Review status: criteria provided, single submitter. Criteria: GeneDx Variant Classification Process June 2021. Collection method: clinical testing. Allele origin: germline. Affected: yes.
Comment: Not observed at significant frequency in large population cohorts (gnomAD); In silico analysis supports that this missense variant has a deleterious effect on protein structure/function; Has not been previously published as pathogenic or benign to our knowledge; Occurs in the triple helical domain at the X position in the canonical Gly-X-Y repeat; although this variant may have an effect on normal protein folding and function, missense substitution at the X position is not a common mechanism of disease (HGMD); This variant is associated with the following publications: (PMID: 30837697)

Labcorp Genetics (formerly Invitae), Labcorp
Classification: Uncertain significance for Ehlers-Danlos syndrome, type 4. Last evaluated: 2023-11-24. Review status: criteria provided, single submitter. Criteria: Invitae Variant Classification Sherloc (09022015). Collection method: clinical testing. Allele origin: germline.
Comment: This sequence change replaces proline, which is neutral and non-polar, with arginine, which is basic and polar, at codon 656 of the COL3A1 protein (p.Pro656Arg). This variant is not present in population databases (gnomAD no frequency). This variant has not been reported in the literature in individuals affected with COL3A1-related conditions. Advanced modeling of protein sequence and biophysical properties (such as structural, functional, and spatial information, amino acid conservation, physicochemical variation, residue mobility, and thermodynamic stability) performed at Invitae indicates that this missense variant is not expected to disrupt COL3A1 protein function with a negative predictive value of 95%. In summary, the available evidence is currently insufficient to determine the role of this variant in disease. Therefore, it has been classified as a Variant of Uncertain Significance.

Blueprint Genetics
Classification: Uncertain significance. Last evaluated: 2022-07-18. Review status: criteria provided, single submitter. Criteria: ACMG Guidelines, 2015. Collection method: clinical testing. Allele origin: germline.